The following is an entry in ClinVar:

ClinVar aggregate classification (germline): Pathogenic (1 of 4 stars; one submission).

Submission:

Labcorp Genetics (formerly Invitae), Labcorp
Classification: Pathogenic. Last evaluated: 2024-01-03. Review status: criteria provided, single submitter. Criteria: Invitae Variant Classification Sherloc (09022015). Collection method: clinical testing. Allele origin: germline.
Comment: This sequence change creates a premature translational stop signal (p.Lys884*) in the POLE gene. It is expected to result in an absent or disrupted protein product. Loss-of-function variants in POLE are known to be pathogenic (PMID: 23230001, 25948378, 30503519). This variant is not present in population databases (gnomAD no frequency). This variant has not been reported in the literature in individuals affected with POLE-related conditions. For these reasons, this variant has been classified as Pathogenic.

Literature cited by the submitters: PubMed 23230001; PubMed 25948378; PubMed 30503519.

NM_006231.4(POLE):c.2650A>T (p.Lys884Ter)

Gene: POLE (DNA polymerase epsilon, catalytic subunit; minus strand). Cytogenetic location: 12q24.33.
Variant type: single nucleotide variant.
Coding change: c.2650A>T on transcript NM_006231.4 (MANE Select); coding-DNA position 2650, A replaced by T.
Protein change: p.Lys884Ter; replaces lysine 884 with a stop codon.
Molecular consequence: nonsense.
Genome position (GRCh38, 1-based): chr12:132,664,060, T>A on the plus strand (A>T on the coding strand, the complement: POLE is on the minus strand). VCF-style: chr12-132664060-T-A. GRCh37 (hg19) VCF-style: chr12-133240646-T-A.
Other names: short protein forms K884*.
Identifiers: ClinVar variation 2742812 (VCV002742812.3), dbSNP rs2542062750, ClinGen allele CA387395421.